The following is an entry in ClinVar:

ClinVar aggregate classification (germline): Likely benign (0 of 4 stars; one submission).

Conditions:
YY1-related disorder. Also called: YY1-related condition.

Allele frequency attached by ClinVar (database versions not stated): gnomAD 0.00005; TOPMed 0.00005.
gnomAD v4.1: 16 of 1,504,272 alleles (0.0011%); highest among the groups gnomAD compares: African/African-American, 0.016%; no homozygotes.

Submission:

PreventionGenetics, part of Exact Sciences
Classification: Likely benign for YY1-related condition. Last evaluated: 2020-04-29. Review status: no assertion criteria provided. Collection method: clinical testing. Allele origin: germline.
Comment: This variant is classified as likely benign based on ACMG/AMP sequence variant interpretation guidelines (Richards et al. 2015 PMID: 25741868, with internal and published modifications).

NM_003403.5(YY1):c.600G>A (p.Pro200=)

Gene: YY1 (YY1 transcription factor; plus strand). Cytogenetic location: 14q32.2.
Variant type: single nucleotide variant.
Coding change: c.600G>A on transcript NM_003403.5 (MANE Select); coding-DNA position 600, G replaced by A.
Protein change: p.Pro200=; no amino-acid change (proline 200 retained).
Molecular consequence: synonymous variant.
Genome position (GRCh38, 1-based): chr14:100,239,844, G>A. VCF-style: chr14-100239844-G-A. GRCh37 (hg19) VCF-style: chr14-100706181-G-A.
Identifiers: ClinVar variation 3054464 (VCV003054464.2), dbSNP rs1043261957, ClinGen allele CA266823144.